The following is an entry in ClinVar:

NM_001276270.2(MBD4):c.1259-17G>A

Gene: MBD4 (methyl-CpG binding domain 4, DNA glycosylase; minus strand). Cytogenetic location: 3q21.3.
Variant type: single nucleotide variant.
Coding change: c.1259-17G>A on transcript NM_001276270.2 (MANE Select); 17 bases into the intron before coding-DNA position 1259, G replaced by A.
Molecular consequence: intron variant.
Genome position (GRCh38, 1-based): chr3:129,434,001, C>T on the plus strand (G>A on the coding strand, the complement: MBD4 is on the minus strand). VCF-style: chr3-129434001-C-T. GRCh37 (hg19) VCF-style: chr3-129152844-C-T.
Other names: c.323-17G>A (NM_001276273.2); c.1277-17G>A (NM_001276272.2, NM_003925.3, NM_001276271.2).
Identifiers: ClinVar variation 4875945 (VCV004875945.1).

ClinVar aggregate classification (germline): Likely benign (1 of 4 stars; one submission).

Conditions:
Tumor predisposition syndrome 2 (TPDS2). Also called: MBD4-ASSOCIATED NEOPLASIA SYNDROME; MBD4-Related Tumor Predisposition Syndrome; MBD4-associated neoplasia syndrome (MANS). Identifiers: Orphanet 661526, MedGen C5774186, MONDO:0859267, OMIM 619975.

Submission:

Myriad Genetics, Inc.
Classification: Likely benign for Tumor predisposition syndrome 2. Last evaluated: 2026-06-09. Review status: criteria provided, single submitter. Criteria: Myriad Autosomal Dominant, Autosomal Recessive and X-Linked Classification Criteria (2023). Collection method: clinical testing. Allele origin: unknown.
Comment: This variant is considered likely benign. This variant is intronic and is not expected to impact mRNA splicing.